The following is an entry in ClinVar:

ClinVar aggregate classification (germline): Pathogenic (1 of 4 stars; one submission).

Conditions:
Inborn genetic diseases. Identifiers: MedGen C0950123, MeSH D030342.

Submission:

Ambry Genetics
Classification: Pathogenic for Inborn genetic diseases. Last evaluated: 2025-04-25. Review status: criteria provided, single submitter. Criteria: Ambry Variant Classification Scheme 2023. Collection method: clinical testing. Allele origin: germline.
Comment: The c.936_939delAAAA pathogenic mutation, located in coding exon 3 of the MBD4 gene, results from a deletion of 4 nucleotides at nucleotide positions 936 to 939, causing a translational frameshift with a predicted alternate stop codon (p.E314Dfs*3). This alteration is expected to result in loss of function by premature protein truncation or nonsense-mediated mRNA decay. As such, this alteration is interpreted as a disease-causing mutation.

NM_001276270.2(MBD4):c.936_939del (p.Glu314fs)

Gene: MBD4 (methyl-CpG binding domain 4, DNA glycosylase; minus strand). Cytogenetic location: 3q21.3.
Variant type: Deletion.
Coding change: c.936_939del on transcript NM_001276270.2 (MANE Select); coding-DNA positions 936 to 939, 4 bases deleted (AAAA; older notation c.936_939delAAAA).
Protein change: p.Glu314fs; shifts the reading frame from glutamic acid 314.
Molecular consequence: frameshift variant. On other transcripts: intron variant (1).
Genome position (GRCh38, 1-based): chr3:129,436,705-129,436,708, TTTT deleted on the plus strand (AAAA on the coding strand, the reverse complement: MBD4 is on the minus strand); deleting any 4 consecutive bases within chr3:129,436,705-129,436,714 gives the same sequence; the c. name uses the placement nearest the transcript's 3' end. VCF-style (leftmost placement, unchanged base first): chr3-129436704-CTTTT-C. GRCh37 (hg19) VCF-style: chr3-129155547-CTTTT-C.
Other names: c.936_939del, p.Glu314fs (NM_001276271.2, NM_001276272.2, NM_003925.3); c.247+1100_247+1103del (NM_001276273.2); c.936_939delAAAA (NM_001276270.2); short protein forms E314fs.
Identifiers: ClinVar variation 4052197 (VCV004052197.1).